The following is an entry in ClinVar:

NM_139319.3(SLC17A8):c.854C>T (p.Thr285Ile)

Gene: SLC17A8 (solute carrier family 17 member 8; plus strand). Cytogenetic location: 12q23.1.
Variant type: single nucleotide variant.
Coding change: c.854C>T on transcript NM_139319.3 (MANE Select); coding-DNA position 854, C replaced by T.
Protein change: p.Thr285Ile; replaces threonine 285 with isoleucine.
Molecular consequence: missense variant.
Genome position (GRCh38, 1-based): chr12:100,402,430, C>T. VCF-style: chr12-100402430-C-T. GRCh37 (hg19) VCF-style: chr12-100796208-C-T.
Other names: c.854C>T, p.Thr285Ile (NM_001145288.2); short protein forms T285I.
Identifiers: ClinVar variation 165244 (VCV000165244.6), dbSNP rs727503424, ClinGen allele CA177991.

ClinVar aggregate classification (germline): Uncertain significance. Review status: criteria provided, multiple submitters, no conflicts (2 of 4 stars). 2 submissions from 2 submitters: Uncertain significance (2). Last evaluated 2019-03-04.

Allele frequency attached by ClinVar (database versions not stated): ExAC 0.00001; gnomAD exomes 0.00001 and 0.00002; gnomAD 0.00004; TOPMed 0.00008.
gnomAD v4.1: 20 of 1,613,962 alleles (0.0012%); highest among the groups gnomAD compares: Middle Eastern, 0.033%; no homozygotes.

Submissions (2):

Athena Diagnostics
Classification: Uncertain significance. Last evaluated: 2019-03-04. Review status: criteria provided, single submitter. Criteria: Athena Diagnostics Criteria. Collection method: clinical testing. Allele origin: germline.

Laboratory for Molecular Medicine, Mass General Brigham Personalized Medicine
Classification: Uncertain significance. Last evaluated: 2013-10-05. Review status: criteria provided, single submitter. Criteria: LMM Criteria. Collection method: clinical testing. Allele origin: germline. Observed: 1 variant allele.
Comment: Variant classified as Uncertain Significance - Favor Benign. The Thr285Ile varia nt in SLC17A8 has not been reported in individuals with hearing loss or in large population studies. Computational analyses (biochemical amino acid properties, conservation, AlignGVGD, PolyPhen2, and SIFT) suggest that the Thr285Ile variant may not impact the protein, though this information is not predictive enough to rule out pathogenicity. Of note, two distant species (zebra finch and tetraodon ) have an isoleucine (Ile) at this position. In summary, the clinical significan ce of this variant cannot be determined with certainty; however, based upon the conservation and computational data, we lean towards a more like benign role.